The following is an entry in ClinVar:

NM_001330260.2(SCN8A):c.934T>G (p.Phe312Val)

Gene: SCN8A (sodium voltage-gated channel alpha subunit 8; plus strand). Cytogenetic location: 12q13.13.
Variant type: single nucleotide variant.
Coding change: c.934T>G on transcript NM_001330260.2 (MANE Select); coding-DNA position 934, T replaced by G.
Protein change: p.Phe312Val; replaces phenylalanine 312 with valine.
Molecular consequence: missense variant.
Genome position (GRCh38, 1-based): chr12:51,701,149, T>G. VCF-style: chr12-51701149-T-G. GRCh37 (hg19) VCF-style: chr12-52094933-T-G.
Other names: c.934T>G, p.Phe312Val (NM_001177984.3, NM_001369788.1, NM_014191.4); short protein forms F312V.
Identifiers: ClinVar variation 4291964 (VCV004291964.1).

ClinVar aggregate classification (germline): Uncertain significance (1 of 4 stars; one submission).

Conditions:
Cognitive impairment with or without cerebellar ataxia (CIAT). Identifiers: MedGen C3280415, MONDO:0013680, OMIM 614306.

Submission:

3billion
Classification: Uncertain significance for Cognitive impairment with or without cerebellar ataxia. Last evaluated: 2025-02-12. Review status: criteria provided, single submitter. Criteria: ACMG Guidelines, 2015. Collection method: clinical testing. Allele origin: germline. Affected: yes.
Comment: The variant is not observed in the gnomAD v4.1.0 dataset. Predicted Consequence/Location: Missense variant In silico tool predictions suggest damaging effect of the variant on gene or gene product [REVEL: 0.83 (>=0.6, sensitivity 0.68 and specificity 0.92)]. Therefore, this variant is classified as VUS according to the recommendation of ACMG/AMP guideline.